The following is an entry in ClinVar:

NM_004415.4(DSP):c.5876G>A (p.Trp1959Ter)

Gene: DSP (desmoplakin; plus strand). Cytogenetic location: 6p24.3.
Variant type: single nucleotide variant.
Coding change: c.5876G>A on transcript NM_004415.4 (MANE Select); coding-DNA position 5876, G replaced by A.
Protein change: p.Trp1959Ter; replaces tryptophan 1959 with a stop codon.
Molecular consequence: nonsense.
Genome position (GRCh38, 1-based): chr6:7,583,138, G>A. VCF-style: chr6-7583138-G-A. GRCh37 (hg19) VCF-style: chr6-7583371-G-A.
Other names: c.4079G>A, p.Trp1360Ter (NM_001008844.3); c.4547G>A, p.Trp1516Ter (NM_001319034.2); short protein forms W1360*, W1516*, W1959*.
Identifiers: ClinVar variation 4843720 (VCV004843720.1).

ClinVar aggregate classification (germline): Pathogenic (1 of 4 stars; one submission).

Conditions:
Cardiovascular phenotype. Identifiers: MedGen CN230736.

Submission:

Ambry Genetics
Classification: Pathogenic for Cardiovascular phenotype. Last evaluated: 2025-12-29. Review status: criteria provided, single submitter. Criteria: Ambry Variant Classification Scheme 2023. Collection method: clinical testing. Allele origin: germline.
Comment: The p.W1959* pathogenic mutation (also known as c.5876G>A), located in coding exon 24 of the DSP gene, results from a G to A substitution at nucleotide position 5876. This changes the amino acid from a tryptophan to a stop codon within coding exon 24. This alteration occurs at the 3' terminus of the gene, is not expected to trigger nonsense-mediated mRNA decay, and impacts the last 31% of the protein. However, premature stop codons are typically deleterious in nature and the impacted region is critical for protein function (Ambry internal data). This variant is considered to be rare based on population cohorts in the Genome Aggregation Database (gnomAD). Based on the supporting evidence, this variant is interpreted as a disease-causing mutation.